The following is an entry in ClinVar:

ClinVar aggregate classification (germline): Uncertain significance (1 of 4 stars; one submission).

gnomAD v4.1: 10 of 1,613,952 alleles (0.00062%); highest among the groups gnomAD compares: East Asian, 0.0022%; no homozygotes.

Submission:

Labcorp Genetics (formerly Invitae), Labcorp
Classification: Uncertain significance. Last evaluated: 2025-06-24. Review status: criteria provided, single submitter. Criteria: Invitae Variant Classification Sherloc (09022015). Collection method: clinical testing. Allele origin: germline.
Comment: This sequence change replaces threonine, which is neutral and polar, with methionine, which is neutral and non-polar, at codon 336 of the CFB protein (p.Thr336Met). This variant is present in population databases (rs534721289, gnomAD 0.004%). This variant has not been reported in the literature in individuals affected with CFB-related conditions. Invitae Evidence Modeling of protein sequence and biophysical properties (such as structural, functional, and spatial information, amino acid conservation, physicochemical variation, residue mobility, and thermodynamic stability) indicates that this missense variant is not expected to disrupt CFB protein function with a negative predictive value of 80%. In summary, the available evidence is currently insufficient to determine the role of this variant in disease. Therefore, it has been classified as a Variant of Uncertain Significance.

NM_001710.6(CFB):c.1007C>T (p.Thr336Met)

Gene: CFB (complement factor B; plus strand). Cytogenetic location: 6p21.33.
Variant type: single nucleotide variant.
Coding change: c.1007C>T on transcript NM_001710.6 (MANE Select); coding-DNA position 1007, C replaced by T.
Protein change: p.Thr336Met; replaces threonine 336 with methionine.
Molecular consequence: missense variant.
Genome position (GRCh38, 1-based): chr6:31,948,483, C>T. VCF-style: chr6-31948483-C-T. GRCh37 (hg19) VCF-style: chr6-31916260-C-T.
Other names: short protein forms T336M.
Identifiers: ClinVar variation 4693290 (VCV004693290.1).